The following is an entry in ClinVar:

ClinVar aggregate classification (germline): Benign. Review status: criteria provided, single submitter (1 of 4 stars). 2 submissions from 2 submitters: Benign (1). 1 of the submissions does not count toward it. Last evaluated 2025-08-01.

Conditions:
TSHZ1-related disorder. Also called: TSHZ1-related condition.

Allele frequency attached by ClinVar (database versions not stated): 1000 Genomes Project 30x 0.00016; 1000 Genomes Project 0.00020; TOPMed 0.00080; ESP Exome Variant Server 0.00123.
gnomAD v4.1: 1,459 of 1,614,166 alleles (0.09%); highest among the groups gnomAD compares: Admixed American, 0.055%; 11 homozygotes.

Submissions (2):

CeGaT Center for Human Genetics Tuebingen
Classification: Benign. Last evaluated: 2025-08-01. Review status: criteria provided, single submitter. Criteria: CeGaT Center For Human Genetics Tuebingen Variant Classification Criteria Version 2. Collection method: clinical testing. Allele origin: germline. Affected: yes. Observed: 3 variant alleles.
Comment: TSHZ1: BP4, BS1, BS2

PreventionGenetics, part of Exact Sciences
Classification: Benign for TSHZ1-related condition. Last evaluated: 2019-11-12. Review status: no assertion criteria provided. Collection method: clinical testing. Allele origin: germline. Not counted in ClinVar's aggregate classification.
Comment: This variant is classified as benign based on ACMG/AMP sequence variant interpretation guidelines (Richards et al. 2015 PMID: 25741868, with internal and published modifications).

NM_001308210.2(TSHZ1):c.2042C>T (p.Pro681Leu)

Gene: TSHZ1 (teashirt zinc finger homeobox 1; plus strand). Cytogenetic location: 18q22.3.
Variant type: single nucleotide variant.
Coding change: c.2042C>T on transcript NM_001308210.2 (MANE Select); coding-DNA position 2042, C replaced by T.
Protein change: p.Pro681Leu; replaces proline 681 with leucine.
Molecular consequence: missense variant.
Genome position (GRCh38, 1-based): chr18:75,287,449, C>T. VCF-style: chr18-75287449-C-T. GRCh37 (hg19) VCF-style: chr18-72999404-C-T.
Other names: c.1907C>T, p.Pro636Leu (NM_005786.6); short protein forms P636L, P681L.
Identifiers: ClinVar variation 2648813 (VCV002648813.25), dbSNP rs111787453, ClinGen allele CA9002195.